The following is an entry in ClinVar:

NM_004260.4(RECQL4):c.2609G>C (p.Gly870Ala)

Gene: RECQL4 (RecQ like helicase 4; minus strand). Cytogenetic location: 8q24.3.
Variant type: single nucleotide variant.
Coding change: c.2609G>C on transcript NM_004260.4 (MANE Select); coding-DNA position 2609, G replaced by C.
Protein change: p.Gly870Ala; replaces glycine 870 with alanine.
Molecular consequence: missense variant.
Genome position (GRCh38, 1-based): chr8:144,512,993, C>G on the plus strand (G>C on the coding strand, the complement: RECQL4 is on the minus strand). VCF-style: chr8-144512993-C-G. GRCh37 (hg19) VCF-style: chr8-145738376-C-G.
Other names: short protein forms G870A.
Identifiers: ClinVar variation 955597 (VCV000955597.6), dbSNP rs1827539195, ClinGen allele CA372676868.

ClinVar aggregate classification (germline): Uncertain significance (1 of 4 stars; one submission).

Conditions:
Baller-Gerold syndrome (BGS). Also called: CRANIOSYNOSTOSIS WITH RADIAL DEFECTS. Identifiers: Orphanet 1225, MedGen C0265308, MONDO:0009039, OMIM 218600.

Allele frequency attached by ClinVar (database versions not stated): TOPMed 0.00001.

Submission:

Labcorp Genetics (formerly Invitae), Labcorp
Classification: Uncertain significance for Baller-Gerold syndrome. Last evaluated: 2022-09-18. Review status: criteria provided, single submitter. Criteria: Invitae Variant Classification Sherloc (09022015). Collection method: clinical testing. Allele origin: germline.
Comment: In summary, the available evidence is currently insufficient to determine the role of this variant in disease. Therefore, it has been classified as a Variant of Uncertain Significance. This sequence change replaces glycine, which is neutral and non-polar, with alanine, which is neutral and non-polar, at codon 870 of the RECQL4 protein (p.Gly870Ala). This variant is not present in population databases (gnomAD no frequency). This variant has not been reported in the literature in individuals affected with RECQL4-related conditions. ClinVar contains an entry for this variant (Variation ID: 955597). Algorithms developed to predict the effect of sequence changes on RNA splicing suggest that this variant may disrupt the consensus splice site.